The following is an entry in ClinVar:

NM_001374828.1(ARID1B):c.2387C>T (p.Pro796Leu)

Gene: ARID1B (AT-rich interaction domain 1B; plus strand). Cytogenetic location: 6q25.3.
Variant type: single nucleotide variant.
Coding change: c.2387C>T on transcript NM_001374828.1 (MANE Select); coding-DNA position 2387, C replaced by T.
Protein change: p.Pro796Leu; replaces proline 796 with leucine.
Molecular consequence: missense variant. On other transcripts: 5 prime UTR variant (2).
Genome position (GRCh38, 1-based): chr6:157,084,801, C>T. VCF-style: chr6-157084801-C-T. GRCh37 (hg19) VCF-style: chr6-157405935-C-T.
Other names: c.-113C>T (NM_001363725.2, NM_001438488.1); c.2426C>T, p.Pro809Leu (NM_001371656.1, NM_001374820.1); c.2387C>T, p.Pro796Leu (NM_001438482.1, NM_001438485.1, NM_001438487.1 and 1 more transcripts); c.2429C>T, p.Pro810Leu (NM_001438483.1, NM_001438486.1); short protein forms P796L, P809L, P810L.
Identifiers: ClinVar variation 5017680 (VCV005017680.1).

ClinVar aggregate classification (germline): Uncertain significance (1 of 4 stars; one submission).

Submission:

GeneDx
Classification: Uncertain significance. Last evaluated: 2026-03-31. Review status: criteria provided, single submitter. Criteria: GeneDx Variant Classification Process June 2021. Collection method: clinical testing. Allele origin: germline.
Comment: Not observed at significant frequency in large population cohorts (gnomAD); In silico analysis supports that this missense variant has a deleterious effect on protein structure/function; Has not been previously published as pathogenic or benign to our knowledge